The following is an entry in ClinVar:

NM_002474.3(MYH11):c.220G>C (p.Asp74His)

Gene: MYH11 (myosin heavy chain 11; minus strand). Cytogenetic location: 16p13.11.
Variant type: single nucleotide variant.
Coding change: c.220G>C on transcript NM_002474.3 (MANE Select); coding-DNA position 220, G replaced by C.
Protein change: p.Asp74His; replaces aspartic acid 74 with histidine.
Molecular consequence: missense variant.
Genome position (GRCh38, 1-based): chr16:15,838,033, C>G on the plus strand (G>C on the coding strand, the complement: MYH11 is on the minus strand). VCF-style: chr16-15838033-C-G. GRCh37 (hg19) VCF-style: chr16-15931890-C-G.
Other names: c.220G>C, p.Asp74His (NM_001040113.2, NM_001040114.2, NM_022844.3); short protein forms D74H.
Identifiers: ClinVar variation 3387264 (VCV003387264.1).
Genomic context (GRCh38, chr16:15,838,033, plus strand): 5'-TCAGCTCCGCCATGTCCTCCACCTTGGAGAACTTGGGTGGGTTCATCTTCTGGATGTCAT[C>G]TTTCCCAACCGTGACCTTCTTGCCATTCTCCACCAGCTCCACAACCACCTCATCCCCCTT-3'
Protein context (NP_002465.1, residues 64-84): ENGKKVTVGK[Asp74His]DIQKMNPPKF

ClinVar aggregate classification (germline): Uncertain significance (1 of 4 stars; one submission).

Conditions:
Familial thoracic aortic aneurysm and aortic dissection (TAAD). Also called: Thoracic aortic aneurysms and dissections. Identifiers: Orphanet 91387, MedGen C4707243, MONDO:0019625.

Submission:

All of Us Research Program, National Institutes of Health
Classification: Uncertain significance for Familial thoracic aortic aneurysm and aortic dissection. Last evaluated: 2024-06-17. Review status: criteria provided, single submitter. Criteria: ACMG Guidelines, 2015. Collection method: clinical testing. Allele origin: germline. Inheritance: Autosomal dominant inheritance. Observed: 1 variant allele, 1 heterozygote.
Comment: This missense variant replaces aspartic acid with histidine at codon 74 of the MYH11 protein. Computational prediction suggests that this variant may have deleterious impact on protein structure and function (internally defined REVEL score threshold >= 0.7, PMID: 27666373). To our knowledge, functional studies have not been reported for this variant. This variant has not been reported in individuals affected with MYH11-related disorders in the literature. This variant has not been identified in the general population by the Genome Aggregation Database (gnomAD). The available evidence is insufficient to determine the role of this variant in disease conclusively. Therefore, this variant is classified as a Variant of Uncertain Significance.

This study involves interpretation of variants in research participants for the purpose of population health screening. Participant phenotype was not available at the time of variant classification. Additional details can be found in publication PMID: 35346344, PMCID: PMC8962531